The following is an entry in ClinVar:

NM_005085.4(NUP214):c.1830G>A (p.Ser610=)

Gene: NUP214 (nucleoporin 214; plus strand). Cytogenetic location: 9q34.13.
Variant type: single nucleotide variant.
Coding change: c.1830G>A on transcript NM_005085.4 (MANE Select); coding-DNA position 1830, G replaced by A.
Protein change: p.Ser610=; no amino-acid change (serine 610 retained).
Molecular consequence: synonymous variant.
Genome position (GRCh38, 1-based): chr9:131,146,189, G>A. VCF-style: chr9-131146189-G-A. GRCh37 (hg19) VCF-style: chr9-134021576-G-A.
Other names: c.1797G>A, p.Ser599= (NM_001318324.2).
Identifiers: ClinVar variation 3040313 (VCV003040313.2), dbSNP rs780312501, ClinGen allele CA5289123.
Genomic context (GRCh38, chr9:131,146,189, plus strand): 5'-GTTTACTGCTGCAGCTACCTCTACTCCTGTTAGTAGCTCCCAGAGCGCACCCCCGATGTC[G>A]CCATTCTCTTCTGCCTCCAAGCCAGCTGCTTCTGGACCACTCAGCCACCCCACACCTCTC-3'
Protein context (NP_005076.3, residues 600-620): VSSSQSAPPM[Ser610=]PFSSASKPAA

ClinVar aggregate classification (germline): Likely benign (0 of 4 stars; one submission).

Conditions:
NUP214-related disorder. Also called: NUP214-related disorders; NUP214-related condition.

Allele frequency attached by ClinVar (database versions not stated): ExAC 0.00003; gnomAD 0.00007; TOPMed 0.00007.
gnomAD v4.1: 33 of 1,613,882 alleles (0.002%); highest among the groups gnomAD compares: Admixed American, 0.018%; no homozygotes.

Submission:

PreventionGenetics, part of Exact Sciences
Classification: Likely benign for NUP214-related condition. Last evaluated: 2019-09-10. Review status: no assertion criteria provided. Collection method: clinical testing. Allele origin: germline.
Comment: This variant is classified as likely benign based on ACMG/AMP sequence variant interpretation guidelines (Richards et al. 2015 PMID: 25741868, with internal and published modifications).